The following is an entry in ClinVar:

ClinVar aggregate classification (germline): Pathogenic (1 of 4 stars; one submission).

Conditions:
Peroxisome biogenesis disorder. Identifiers: Orphanet 79189, MedGen C1832200, MONDO:0019234. Disease mechanism: loss of function.

Submission:

Myriad Genetics, Inc.
Classification: Pathogenic for Peroxisome biogenesis disorder. Last evaluated: 2024-11-20. Review status: criteria provided, single submitter. Criteria: Myriad Autosomal Dominant, Autosomal Recessive and X-Linked Classification Criteria (2023). Collection method: clinical testing. Allele origin: unknown.
Comment: NM_000466.2(PEX1):c.1072G>T(E358*) is expected to be pathogenic in the context of peroxisome biogenesis disorder type 1. This variant is predicted to lead to an abnormal or absent protein product due to the creation of a premature termination codon in PEX1, a gene where loss-of-function variants are known to be pathogenic. Please note: this variant was assessed in the context of healthy population screening.

NM_000466.3(PEX1):c.1072G>T (p.Glu358Ter)

Gene: PEX1 (peroxisomal biogenesis factor 1; minus strand). Cytogenetic location: 7q21.2.
Variant type: single nucleotide variant.
Coding change: c.1072G>T on transcript NM_000466.3 (MANE Select); coding-DNA position 1072, G replaced by T.
Protein change: p.Glu358Ter; replaces glutamic acid 358 with a stop codon.
Molecular consequence: nonsense.
Genome position (GRCh38, 1-based): chr7:92,517,443, C>A on the plus strand (G>T on the coding strand, the complement: PEX1 is on the minus strand). VCF-style: chr7-92517443-C-A. GRCh37 (hg19) VCF-style: chr7-92146757-C-A.
Other names: c.1072G>T, p.Glu358Ter (NM_001282677.2); c.448G>T, p.Glu150Ter (NM_001282678.2); short protein forms E150*, E358*.
Identifiers: ClinVar variation 5013772 (VCV005013772.1).